The following is an entry in ClinVar:

ClinVar aggregate classification (germline): Conflicting classifications of pathogenicity. Review status: criteria provided, conflicting classifications (1 of 4 stars). 5 submissions from 5 submitters: Uncertain significance (4); Likely benign (1). Last evaluated 2026-06-01.

Conditions:
Spastic paraplegia, intellectual disability, nystagmus, and obesity. Also called: Spastic paraplegia, intellectual disability, nystagmus, and obesity;. Identifiers: Orphanet 521390, MedGen C4284592, MONDO:0015007, OMIM 617296.
Ventriculomegaly and arthrogryposis. Identifiers: MedGen C5561973, MONDO:0859184, OMIM 619501.
KIDINS220-related disorder. Also called: KIDINS220-related condition.
Inborn genetic diseases. Identifiers: MedGen C0950123, MeSH D030342.

Allele frequency attached by ClinVar (database versions not stated): gnomAD 0.00003; ExAC 0.00007; TOPMed 0.00007.
gnomAD v4.1: 95 of 1,614,032 alleles (0.0059%); highest among the groups gnomAD compares: Middle Eastern, 0.066%; no homozygotes.

Submissions (5):

PreventionGenetics, part of Exact Sciences
Classification: Uncertain significance for KIDINS220-related condition. Last evaluated: 2026-06-01. Review status: criteria provided, single submitter. Criteria: ACMG Guidelines, 2015. Collection method: clinical testing. Allele origin: germline.
Comment: The KIDINS220 c.3334G>A variant is predicted to result in the amino acid substitution p.Ala1112Thr. To our knowledge, this variant has not been reported in the literature. This variant is reported in 0.014% of alleles in individuals of European (Non-Finnish) descent in gnomAD. At this time, the clinical significance of this variant is uncertain due to the absence of conclusive functional and genetic evidence.

Ambry Genetics
Classification: Uncertain significance for Inborn genetic diseases. Last evaluated: 2025-03-08. Review status: criteria provided, single submitter. Criteria: Ambry Variant Classification Scheme 2023. Collection method: clinical testing. Allele origin: germline.

Labcorp Genetics (formerly Invitae), Labcorp
Classification: Uncertain significance. Last evaluated: 2024-12-20. Review status: criteria provided, single submitter. Criteria: Invitae Variant Classification Sherloc (09022015). Collection method: clinical testing. Allele origin: germline.
Comment: This sequence change replaces alanine, which is neutral and non-polar, with threonine, which is neutral and polar, at codon 1112 of the KIDINS220 protein (p.Ala1112Thr). This variant is present in population databases (rs778339888, gnomAD 0.01%). This variant has not been reported in the literature in individuals affected with KIDINS220-related conditions. ClinVar contains an entry for this variant (Variation ID: 2903472). An algorithm developed to predict the effect of missense changes on protein structure and function outputs the following: PolyPhen-2: "Benign". The threonine amino acid residue is found in multiple mammalian species, which suggests that this missense change does not adversely affect protein function. In summary, the available evidence is currently insufficient to determine the role of this variant in disease. Therefore, it has been classified as a Variant of Uncertain Significance.

CeGaT Center for Human Genetics Tuebingen
Classification: Uncertain significance. Last evaluated: 2024-09-01. Review status: criteria provided, single submitter. Criteria: CeGaT Center For Human Genetics Tuebingen Variant Classification Criteria Version 2. Collection method: clinical testing. Allele origin: germline. Affected: yes. Observed: 1 variant allele.
Comment: KIDINS220: PM2, BP4

Department of Pathology and Laboratory Medicine, Sinai Health System
Classification: Likely benign for Spastic paraplegia, intellectual disability, nystagmus, and obesity; Ventriculomegaly and arthrogryposis. Last evaluated: 2021-07-30. Review status: criteria provided, single submitter. Criteria: ACMG Guidelines, 2015. Collection method: research. Allele origin: germline.

NM_020738.4(KIDINS220):c.3334G>A (p.Ala1112Thr)

Gene: KIDINS220 (kinase D interacting substrate 220; minus strand). Cytogenetic location: 2p25.1.
Variant type: single nucleotide variant.
Coding change: c.3334G>A on transcript NM_020738.4 (MANE Select); coding-DNA position 3334, G replaced by A.
Protein change: p.Ala1112Thr; replaces alanine 1112 with threonine.
Molecular consequence: missense variant. On other transcripts: non-coding transcript variant (2).
Genome position (GRCh38, 1-based): chr2:8,750,192, C>T on the plus strand (G>A on the coding strand, the complement: KIDINS220 is on the minus strand). VCF-style: chr2-8750192-C-T. GRCh37 (hg19) VCF-style: chr2-8890322-C-T.
Other names: c.3337G>A, p.Ala1113Thr (NM_001348731.2, NM_001348734.2, NM_001348739.2 and 2 more transcripts); c.3334G>A, p.Ala1112Thr (NM_001348732.2, NM_001348735.2, NM_001348738.2 and 3 more transcripts); c.3208G>A, p.Ala1070Thr (NM_001348736.2); c.3334G>A (NM_020738.2); short protein forms A1070T, A1112T, A1113T.
Identifiers: ClinVar variation 2903472 (VCV002903472.19), dbSNP rs778339888, ClinGen allele CA1519695.